The following is an entry in ClinVar:

NC_000001.10:g.(?_241663727)_(241680626_?)del

Gene: FH (fumarate hydratase; minus strand). Cytogenetic location: 1q43.
Variant type: Deletion.
Identifiers: ClinVar variation 3247874 (VCV003247874.1).

ClinVar aggregate classification (germline): Pathogenic (1 of 4 stars; one submission).

Submission:

Labcorp Genetics (formerly Invitae), Labcorp
Classification: Pathogenic. Last evaluated: 2023-08-02. Review status: criteria provided, single submitter. Criteria: Invitae Variant Classification Sherloc (09022015). Collection method: clinical testing. Allele origin: unknown.
Comment: For these reasons, this variant has been classified as Pathogenic. This variant disrupts a region of the FH protein in which other variant(s) (p.Trp500*) have been determined to be pathogenic (PMID: 9635293). This suggests that this is a clinically significant region of the protein, and that variants that disrupt it are likely to be disease-causing. A similar copy number variant has been observed in individual(s) with FH associated tumor predisposition syndrome (PMID: 24304607). This variant is a gross deletion of the genomic region encompassing exon(s) 2-9 of the FH gene. While this deletion is not anticipated to lead to nonsense mediated decay, it is expected to disrupt the C-terminus of the protein.

Literature cited by the submitters: PubMed 9635293; PubMed 24304607.